The following is an entry in ClinVar:

NM_001211.6(BUB1B):c.1184A>G (p.Lys395Arg)

Gene: BUB1B (BUB1 mitotic checkpoint serine/threonine kinase B; plus strand). Cytogenetic location: 15q15.1.
Variant type: single nucleotide variant.
Coding change: c.1184A>G on transcript NM_001211.6 (MANE Select); coding-DNA position 1184, A replaced by G.
Protein change: p.Lys395Arg; replaces lysine 395 with arginine.
Molecular consequence: missense variant.
Genome position (GRCh38, 1-based): chr15:40,196,670, A>G. VCF-style: chr15-40196670-A-G. GRCh37 (hg19) VCF-style: chr15-40488871-A-G.
Other names: short protein forms K395R.
Identifiers: ClinVar variation 1026473 (VCV001026473.10), dbSNP rs2037501965, ClinGen allele CA391687323.

ClinVar aggregate classification (germline): Uncertain significance (1 of 4 stars; one submission).

Conditions:
Mosaic variegated aneuploidy syndrome 1 (MVA1). Also called: Warburton-Anyane-Yeboa syndrome. Identifiers: Orphanet 1052, MedGen C1850343, MONDO:0009759, OMIM 257300.

Submission:

Labcorp Genetics (formerly Invitae), Labcorp
Classification: Uncertain significance for Mosaic variegated aneuploidy syndrome 1. Last evaluated: 2020-03-07. Review status: criteria provided, single submitter. Criteria: Invitae Variant Classification Sherloc (09022015). Collection method: clinical testing. Allele origin: germline.
Comment: This sequence change replaces lysine with arginine at codon 395 of the BUB1B protein (p.Lys395Arg). The lysine residue is weakly conserved and there is a small physicochemical difference between lysine and arginine. This variant is not present in population databases (ExAC no frequency). This variant has not been reported in the literature in individuals with BUB1B-related conditions. Algorithms developed to predict the effect of missense changes on protein structure and function (SIFT, PolyPhen-2, Align-GVGD) all suggest that this variant is likely to be tolerated, but these predictions have not been confirmed by published functional studies and their clinical significance is uncertain. In summary, the available evidence is currently insufficient to determine the role of this variant in disease. Therefore, it has been classified as a Variant of Uncertain Significance.